The following is an entry in ClinVar:

ClinVar aggregate classification (germline): Uncertain significance (1 of 4 stars; one submission).

gnomAD v4.1: 3 of 1,614,100 alleles (0.00019%); highest among the groups gnomAD compares: Admixed American, 0.0033%; no homozygotes.

Submission:

Labcorp Genetics (formerly Invitae), Labcorp
Classification: Uncertain significance. Last evaluated: 2023-03-15. Review status: criteria provided, single submitter. Criteria: Invitae Variant Classification Sherloc (09022015). Collection method: clinical testing. Allele origin: germline.
Comment: In summary, the available evidence is currently insufficient to determine the role of this variant in disease. Therefore, it has been classified as a Variant of Uncertain Significance. An algorithm developed to predict the effect of missense changes on protein structure and function (PolyPhen-2) suggests that this variant is likely to be tolerated. ClinVar contains an entry for this variant (Variation ID: 1036095). This variant has not been reported in the literature in individuals affected with EMC1-related conditions. This variant is present in population databases (no rsID available, gnomAD 0.003%). This sequence change replaces alanine, which is neutral and non-polar, with glycine, which is neutral and non-polar, at codon 2 of the EMC1 protein (p.Ala2Gly).

NM_015047.3(EMC1):c.5C>G (p.Ala2Gly)

Gene: EMC1 (ER membrane protein complex subunit 1; minus strand). Cytogenetic location: 1p36.13.
Variant type: single nucleotide variant.
Coding change: c.5C>G on transcript NM_015047.3 (MANE Select); coding-DNA position 5, C replaced by G.
Protein change: p.Ala2Gly; replaces alanine 2 with glycine.
Molecular consequence: missense variant.
Genome position (GRCh38, 1-based): chr1:19,251,505, G>C on the plus strand (C>G on the coding strand, the complement: EMC1 is on the minus strand). VCF-style: chr1-19251505-G-C. GRCh37 (hg19) VCF-style: chr1-19577999-G-C.
Other names: c.5C>G, p.Ala2Gly (NM_001271427.2, NM_001271428.2, NM_001271429.2 and 2 more transcripts); short protein forms A2G.
Identifiers: ClinVar variation 1036095 (VCV001036095.8), dbSNP rs749957590, ClinGen allele CA338776193.
Genomic context (GRCh38, chr1:19,251,505, plus strand): 5'-ACCGCGGCCGCAGGAATCAGCAGCGTAGCCCAAAGCCAGAAACGAGAAGCCCACTCAGCC[G>C]CCATGATGCGAGCGCATGCACCACCCACCGCCGTCCCGGCATGCACCGCGCCGCGGGCTC-3'
Protein context (NP_055862.1, residues 1-12): M[Ala2Gly]AEWASRFWLW